The following is an entry in ClinVar:

ClinVar aggregate classification (germline): Pathogenic (1 of 4 stars; one submission).

Conditions:
Familial hypobetalipoproteinemia 1. Also called: APOB-Related Familial Hypobetalipoproteinemia; Hypobetalipoproteinemia, normotriglyceridemic; Acanthocytosis with hypobetalipoproteinemia. Identifiers: MedGen C4551990, MONDO:0014252, OMIM 615558.
Hypercholesterolemia, autosomal dominant, type B (FHCL2). Also called: Hyperlipoproteinemia Type IIb; Familial Hypercholesterolemia Type B; APOLIPOPROTEIN B-100, FAMILIAL DEFECTIVE; APOLIPOPROTEIN B-100, FAMILIAL LIGAND-DEFECTIVE; HYPERCHOLESTEROLEMIA, FAMILIAL, DUE TO LIGAND-DEFECTIVE APOLIPOPROTEIN B; APOB-Related Familial Hypercholesterolemia, Autosomal Dominant. Identifiers: MedGen C1704417, MONDO:0007751, OMIM 144010.

Submission:

Labcorp Genetics (formerly Invitae), Labcorp
Classification: Pathogenic for Familial hypobetalipoproteinemia 1; Hypercholesterolemia, autosomal dominant, type B. Last evaluated: 2022-08-27. Review status: criteria provided, single submitter. Criteria: Invitae Variant Classification Sherloc (09022015). Collection method: clinical testing. Allele origin: germline.
Comment: This variant is not present in population databases (gnomAD no frequency). For these reasons, this variant has been classified as Pathogenic. This variant has not been reported in the literature in individuals affected with APOB-related conditions. This sequence change creates a premature translational stop signal (p.Lys2110Asnfs*17) in the APOB gene. It is expected to result in an absent or disrupted protein product. Loss-of-function variants in APOB are known to be pathogenic (PMID: 20032471).

Literature cited by the submitters: PubMed 20032471.

NM_000384.3(APOB):c.6330del (p.Lys2110fs)

Gene: APOB (apolipoprotein B; minus strand). Cytogenetic location: 2p24.1.
Variant type: Deletion.
Coding change: c.6330del on transcript NM_000384.3 (MANE Select); coding-DNA position 6330, one base deleted (A; older notation c.6330delA).
Protein change: p.Lys2110fs; shifts the reading frame from lysine 2110.
Molecular consequence: frameshift variant.
Genome position (GRCh38, 1-based): chr2:21,010,538, T deleted on the plus strand (A on the coding strand, the reverse complement: APOB is on the minus strand); the first of 4 consecutive T bases (chr2:21,010,538-21,010,541); deleting any one gives the same sequence. VCF-style (leftmost placement, unchanged base first): chr2-21010537-AT-A. GRCh37 (hg19) VCF-style: chr2-21233409-AT-A.
Other names: short protein forms K2110fs.
Identifiers: ClinVar variation 2130943 (VCV002130943.4), dbSNP rs2465371960, ClinGen allele CA2580065006.